The following is an entry in ClinVar:

NM_005585.5(SMAD6):c.840dup (p.Arg281fs)

Gene: SMAD6 (SMAD family member 6; plus strand). Cytogenetic location: 15q22.31.
Variant type: Duplication.
Coding change: c.840dup on transcript NM_005585.5 (MANE Select); coding-DNA position 840, one base duplicated (T; older notation c.840dupT).
Protein change: p.Arg281fs; shifts the reading frame from arginine 281.
Molecular consequence: frameshift variant. On other transcripts: non-coding transcript variant (1).
Genome position (GRCh38, 1-based): chr15:66,711,690, T duplicated. VCF-style (leftmost placement, unchanged base first): chr15-66711689-C-CT. GRCh37 (hg19) VCF-style: chr15-67004027-C-CT.
Other names: short protein forms R281fs.
Identifiers: ClinVar variation 2329363 (VCV002329363.22), dbSNP rs2545322709, ClinGen allele CA2573049045.

ClinVar aggregate classification (germline): Conflicting classifications of pathogenicity. Review status: criteria provided, conflicting classifications (1 of 4 stars). 3 submissions from 3 submitters: Pathogenic (1); Likely pathogenic (1); Uncertain significance (1). Last evaluated 2024-05-01.

Conditions:
Inborn genetic diseases. Identifiers: MedGen C0950123, MeSH D030342.

Allele frequency attached by ClinVar (database versions not stated): gnomAD exomes below 0.00001.

Submissions (3):

CeGaT Center for Human Genetics Tuebingen
Classification: Pathogenic. Last evaluated: 2024-05-01. Review status: criteria provided, single submitter. Criteria: CeGaT Center For Human Genetics Tuebingen Variant Classification Criteria Version 2. Collection method: clinical testing. Allele origin: germline. Affected: yes. Observed: 2 variant alleles.
Comment: SMAD6: PVS1, PM2, PS4:Supporting

Blueprint Genetics
Classification: Uncertain significance. Last evaluated: 2023-03-02. Review status: criteria provided, single submitter. Criteria: ACMG Guidelines, 2015. Collection method: clinical testing. Allele origin: germline.

Ambry Genetics
Classification: Likely pathogenic for Inborn genetic diseases. Last evaluated: 2022-12-29. Review status: criteria provided, single submitter. Criteria: Ambry Variant Classification Scheme 2023. Collection method: clinical testing. Allele origin: germline.
Comment: The c.840dupT (p.R281Sfs*22) alteration, located in exon 2 (coding exon 2) of the SMAD6 gene, consists of a duplication of T at position 840, causing a translational frameshift with a predicted alternate stop codon after 22 amino acids. This alteration occurs at the 3' terminus of the SMAD6 gene, is not expected to trigger nonsense-mediated mRNA decay, and impacts the last 43% of the protein. Premature stop codons are typically deleterious in nature and a significant portion of the protein is affected (Ambry internal data). This variant was not reported in population-based cohorts in the Genome Aggregation Database (gnomAD). This variant was identified in a cohort of individuals with non-syndromic midline craniosynostosis (Timberlake, 2016). Based on the available evidence, this alteration is classified as likely pathogenic.

Literature cited by the submitters: PubMed 27606499 (cited by Ambry Genetics); PubMed 30796334 (cited by Ambry Genetics).